The following is an entry in ClinVar:

NM_000276.4(OCRL):c.349+6T>C

Gene: OCRL (OCRL inositol polyphosphate-5-phosphatase; plus strand). Cytogenetic location: Xq26.1.
Variant type: single nucleotide variant.
Coding change: c.349+6T>C on transcript NM_000276.4 (MANE Select); 6 bases into the intron after coding-DNA position 349, T replaced by C.
Molecular consequence: intron variant.
Genome position (GRCh38, 1-based): chrX:129,557,441, T>C. VCF-style: chrX-129557441-T-C. GRCh37 (hg19) VCF-style: chrX-128691418-T-C.
Other names: c.352+6T>C (NM_001318784.2); c.349+6T>C (NM_001587.4).
Identifiers: ClinVar variation 3703771 (VCV003703771.2).

ClinVar aggregate classification (germline): Uncertain significance (1 of 4 stars; one submission).

Conditions:
Lowe syndrome (OCRL). Also called: LOWE OCULOCEREBRORENAL SYNDROME; PHOSPHATIDYLINOSITOL 4,5-BISPHOSPHATE 5-PHOSPHATASE DEFICIENCY; Oculocerebrorenal Syndrome. Identifiers: Orphanet 534, MedGen C0028860, MONDO:0010645, OMIM 309000.

gnomAD v4.1: 7 of 1,178,681 alleles (0.00059%); highest among the groups gnomAD compares: Non-Finnish European, 0.00081%; no homozygotes.

Submission:

Labcorp Genetics (formerly Invitae), Labcorp
Classification: Uncertain significance for Lowe syndrome. Last evaluated: 2024-08-17. Review status: criteria provided, single submitter. Criteria: Invitae Variant Classification Sherloc (09022015). Collection method: clinical testing. Allele origin: germline.
Comment: This sequence change falls in intron 5 of the OCRL gene. It does not directly change the encoded amino acid sequence of the OCRL protein. It affects a nucleotide within the consensus splice site. This variant is not present in population databases (gnomAD no frequency). This variant has not been reported in the literature in individuals affected with OCRL-related conditions. Variants that disrupt the consensus splice site are a relatively common cause of aberrant splicing (PMID: 17576681, 9536098). Algorithms developed to predict the effect of sequence changes on RNA splicing suggest that this variant is not likely to affect RNA splicing. In summary, the available evidence is currently insufficient to determine the role of this variant in disease. Therefore, it has been classified as a Variant of Uncertain Significance.

Literature cited by the submitters: PubMed 17576681; PubMed 9536098.